The following is an entry in ClinVar:

ClinVar aggregate classification (germline): Uncertain significance (1 of 4 stars; one submission).

Submission:

Ambry Genetics
Classification: Uncertain significance. Last evaluated: 2026-05-01. Review status: criteria provided, single submitter. Criteria: Ambry Variant Classification Scheme 2023. Collection method: clinical testing. Allele origin: germline.
Comment: The p.G5S variant (also known as c.13G>A), located in coding exon 1 of the SRP72 gene, results from a G to A substitution at nucleotide position 13. The glycine at codon 5 is replaced by serine, an amino acid with similar properties. This amino acid position is conserved. In addition, this alteration is predicted to be tolerated by in silico analysis. Based on the available evidence, the clinical significance of this variant remains unclear.

NM_006947.4(SRP72):c.13G>A (p.Gly5Ser)

Genes: SRP72 (signal recognition particle 72; plus strand), LOC129992625 (ATAC-STARR-seq lymphoblastoid active region 21580; plus strand). Cytogenetic location: 4q12.
Variant type: single nucleotide variant.
Coding change: c.13G>A on transcript NM_006947.4 (MANE Select); coding-DNA position 13, G replaced by A.
Protein change: p.Gly5Ser; replaces glycine 5 with serine.
Molecular consequence: missense variant. On other transcripts: non-coding transcript variant (1).
Genome position (GRCh38, 1-based): chr4:56,467,648, G>A. VCF-style: chr4-56467648-G-A. GRCh37 (hg19) VCF-style: chr4-57333814-G-A.
Other names: c.13G>A, p.Gly5Ser (NM_001267722.2); short protein forms G5S.
Identifiers: ClinVar variation 4865139 (VCV004865139.1).